The following is an entry in ClinVar:

ClinVar aggregate classification (germline): Pathogenic. Review status: reviewed by expert panel (3 of 4 stars). 23 submissions from 23 submitters: Pathogenic (1). 22 of the submissions do not count toward it. Last evaluated 2020-03-27.

Conditions:
PAH-related disorder. Also called: PAH-related condition.
Inborn genetic diseases. Identifiers: MedGen C0950123, MeSH D030342.
Phenylketonuria (PKU). Also called: FOLLING DISEASE; OLIGOPHRENIA PHENYLPYRUVICA; Phenylketonurias; Phenylketonuria (PKU). Identifiers: Orphanet 716, MedGen C0031485, MONDO:0009861, OMIM 261600. Disease mechanism: loss of function.

Allele frequency attached by ClinVar (database versions not stated): gnomAD exomes 0.00010 and 0.00025; ExAC 0.00009; gnomAD 0.00009; TOPMed 0.00015.
gnomAD v4.1: 384 of 1,613,626 alleles (0.024%); highest among the groups gnomAD compares: Non-Finnish European, 0.03%; no homozygotes.

Submissions 1 to 11 of 23:

ClinGen PAH Variant Curation Expert Panel
Classification: Pathogenic for Phenylketonuria. Last evaluated: 2020-03-27. Review status: reviewed by expert panel. Criteria: ClinGen PAH ACMG Specifications v1. Collection method: curation. Allele origin: germline. Inheritance: Autosomal recessive inheritance.
Comment: The c.117C>G (p.Phe39Leu) variant in PAH has been reported in multiple individuals with PKU. (PMID: 23430918, 8659548, 8406445, 2063869). This variant has an extremely low allele frequency in ExAC, gnomAD, 1000 Genomes, ESP (MAF=0.00016). This variant was detected with multiple pathogenic variants: T81P, V177L (PMID: 8659548), F55fsdelT (2 patients, PMID: 15557004), p.I65T, p.R408W (4 patients), p.R252W, p.E280K, c.1066-11G>A, c.1315+1G>A (PMID: 23430918). There is cosegregation with disease in affected siblings in 2 families PMID: 2063869, 8592329). In summary, this variant meets criteria to be classified as pathogenic for PAH. PAH-specific ACMG/AMP criteria applied: PM3_very-strong, PM2, PP4, PP1.

PreventionGenetics, part of Exact Sciences
Classification: Pathogenic for PAH-related condition. Last evaluated: 2026-09-24. Review status: criteria provided, single submitter. Criteria: ACMG Guidelines, 2015. Collection method: clinical testing. Allele origin: germline. Not counted in ClinVar's aggregate classification.
Comment: The PAH c.117C>G variant is predicted to result in the amino acid substitution p.Phe39Leu. This variant is documented as causative for phenylalanine hydroxylase deficiency, when found in the homozygous or compound heterozygous state (see for example Guldberg et al. 1996. PubMed ID: 8659548; Sarkissian et al. 2012. PubMed ID: 23430918; Jeannesson-Thivisol et al. 2015. PubMed ID: 26666653; Table S3 in Hillert et al. 2020. PubMed ID: 32668217). In functional studies, the p.Phe39Leu amino acid change has been reported to result in reduced PAH protein levels as well as reduced enzyme activity (Zurflüh et al. 2008. PubMed ID: 17935162; Shi et al. 2012. PubMed ID: 21953985). Data regarding the responsiveness of patients with the p.Phe39Leu amino acid substitution to tetrahydrobiopterin (BH4) is conflicting (Zurflüh et al. 2008. PubMed ID: 17935162; Sarkissian et al. 2012. PubMed ID: 23430918). This variant is reported in 0.016% of alleles in individuals of European (Non-Finnish) descent in gnomAD. It has been interpreted as pathogenic by the ClinGen PAH Variant Curation Expert Panel as well as numerous outside laboratories. This variant is interpreted as pathogenic.

CeGaT Center for Human Genetics Tuebingen
Classification: Pathogenic. Last evaluated: 2026-08-01. Review status: criteria provided, single submitter. Criteria: CeGaT Center For Human Genetics Tuebingen Variant Classification Criteria Version 2. Collection method: clinical testing. Allele origin: germline. Affected: yes. Observed: 5 variant alleles. Not counted in ClinVar's aggregate classification.
Comment: PAH: PM3:Very Strong, PM2, PP4:Moderate

Labcorp Genetics (formerly Invitae), Labcorp
Classification: Pathogenic for Phenylketonuria. Last evaluated: 2026-02-01. Review status: criteria provided, single submitter. Criteria: Invitae Variant Classification Sherloc (09022015). Collection method: clinical testing. Allele origin: germline. Not counted in ClinVar's aggregate classification.
Comment: This sequence change replaces phenylalanine, which is neutral and non-polar, with leucine, which is neutral and non-polar, at codon 39 of the PAH protein (p.Phe39Leu). This variant is present in population databases (rs62642926, gnomAD 0.02%). This missense change has been observed in individual(s) with phenylketonuria, mild phenylketonuria and hyperphenylalaninemia (PMID: 2063869, 8592329, 8659548, 12655544, 12655553, 17935162). It is commonly reported in individuals of Scotland and Northern Ireland ancestry (PMID: 2063869, 8592329, 8659548, 12655544, 12655553, 17935162). ClinVar contains an entry for this variant (Variation ID: 605). Invitae Evidence Modeling of protein sequence and biophysical properties (such as structural, functional, and spatial information, amino acid conservation, physicochemical variation, residue mobility, and thermodynamic stability) indicates that this missense variant is not expected to disrupt PAH protein function with a negative predictive value of 80%. Experimental studies have shown that this missense change affects PAH function (PMID: 1146119, 15557004, 17935162, 21953985, 25563416). For these reasons, this variant has been classified as Pathogenic.

Victorian Clinical Genetics Services, Murdoch Childrens Research Institute
Classification: Pathogenic for Phenylketonuria. Last evaluated: 2026-01-30. Review status: criteria provided, single submitter. Criteria: ACMG Guidelines, 2015. Collection method: clinical testing. Allele origin: germline. Affected: yes. Not counted in ClinVar's aggregate classification.
Comment: This variant is classified as Pathogenic. Evidence in support of pathogenic classification: Variant is present in gnomAD <0.01 for a recessive condition (v4: 384 heterozygote(s), 0 homozygote(s)); This variant has strong previous evidence of pathogenicity in unrelated individuals. This variant is classified as pathogenic by the ClinGen PAH Variant Curation Expert Panel (ClinVar); Missense variant predicted to be damaging by in silico tool(s) or highly conserved with a major amino acid change. Additional information: Variant is predicted to result in a missense amino acid change from Phe to Leu; This variant is heterozygous; This gene is associated with autosomal recessive disease; Variant is located in the annotated ACT domain (DECIPHER); Loss of function is a known mechanism of disease in this gene and is associated with phenylketonuria (MIM#261600); Heterozygous variant detected in trans with a second PATHOGENIC heterozygous variant (NM_000277.3(PAH):c.1169A>G; p.(Glu390Gly)) in a recessive disease.

Natera, Inc.
Classification: Pathogenic for Phenylketonuria. Last evaluated: 2025-10-23. Review status: criteria provided, single submitter. Criteria: Natera Variant Classification Schema (03/2026). Collection method: clinical testing. Allele origin: germline. Not counted in ClinVar's aggregate classification.
Comment: The c.117C>G variant in PAH is a missense variant predicted to cause substitution of phenylalanine to leucine at amino acid 39. This variant is rare in the general population with a frequency below the threshold expected for the associated phenotype(s). This variant has been observed in one or more individuals affected with the associated recessive disease, as either homozygous or compound heterozygous with a second variant (PMID: 26666653, 27121329). Given the available evidence, this variant is classified as Pathogenic.

Revvity Omics, Revvity
Classification: Pathogenic for Phenylketonuria. Last evaluated: 2025-01-30. Review status: criteria provided, single submitter. Criteria: ACMG Guidelines, 2015. Collection method: clinical testing. Allele origin: germline. Not counted in ClinVar's aggregate classification.

Blueprint Genetics
Classification: Pathogenic for PAH-related disorders. Last evaluated: 2024-10-02. Review status: criteria provided, single submitter. Criteria: ACMG Guidelines, 2015. Collection method: clinical testing. Allele origin: germline. Affected: yes. Observed: 5 variant alleles. Not counted in ClinVar's aggregate classification.

Greenwood Genetic Center Diagnostic Laboratories, Greenwood Genetic Center
Classification: Pathogenic for Phenylketonuria. Last evaluated: 2024-05-20. Review status: criteria provided, single submitter. Criteria: ACMG Guidelines, 2015. Collection method: clinical testing. Allele origin: germline. Affected: yes. Not counted in ClinVar's aggregate classification.
Comment: PM3_very-strong, PM2, PP4, PP1

Mayo Clinic Laboratories, Mayo Clinic
Classification: Pathogenic. Last evaluated: 2024-03-18. Review status: criteria provided, single submitter. Criteria: ACMG Guidelines, 2015. Collection method: clinical testing. Allele origin: germline. Observed: 3 variant alleles. Not counted in ClinVar's aggregate classification.
Comment: PP1, PP3, PP4, PM2_moderate, PM3_very_strong

Ambry Genetics
Classification: Pathogenic for Inborn genetic diseases. Last evaluated: 2023-12-06. Review status: criteria provided, single submitter. Criteria: Ambry Variant Classification Scheme 2023. Collection method: clinical testing. Allele origin: germline. Not counted in ClinVar's aggregate classification.
Comment: The c.117C>G (p.F39L) alteration is located in exon 2 (coding exon 2) of the PAH gene. This alteration results from a C to G substitution at nucleotide position 117, causing the phenylalanine (F) at amino acid position 39 to be replaced by a leucine (L). Based on data from gnomAD, the G allele has an overall frequency of 0.009% (26/282820) total alleles studied. The highest observed frequency was 0.016% (21/129140) of European (non-Finnish) alleles. This variant has been reported homozygous or with a second variant in PAH in multiple individuals diagnosed with phenylalanine hydroxylase deficiency (Forrest, 1991; Tyfield, 1995; Koch, 2005; Ho, 2014; Bayat, 2016; Ferreira, 2021). This amino acid position is highly conserved in available vertebrate species. This alteration is predicted to be deleterious by in silico analysis. Based on the available evidence, this alteration is classified as pathogenic.

NM_000277.3(PAH):c.117C>G (p.Phe39Leu)

Gene: PAH (phenylalanine hydroxylase; minus strand). Cytogenetic location: 12q23.2.
Variant type: single nucleotide variant.
Coding change: c.117C>G on transcript NM_000277.3 (MANE Select); coding-DNA position 117, C replaced by G.
Protein change: p.Phe39Leu; replaces phenylalanine 39 with leucine.
Molecular consequence: missense variant.
Genome position (GRCh38, 1-based): chr12:102,912,842, G>C on the plus strand (C>G on the coding strand, the complement: PAH is on the minus strand). VCF-style: chr12-102912842-G-C. GRCh37 (hg19) VCF-style: chr12-103306620-G-C.
Other names: p.F39L:TTC>TTG; c.117C>G (NM_000277.2); c.117C>G, p.Phe39Leu (NM_001354304.2); short protein forms F39L.
Identifiers: ClinVar variation 605 (VCV000000605.137), dbSNP rs62642926, ClinGen allele CA251537.
Genomic context (GRCh38, chr12:102,912,842, plus strand): 5'-AGCACTGACCTCAAATAAGCGCAATACTTTGGCCAATGCACCAACTTCTTCTTTGAGTGA[G>C]AAGATCAGTGATATGGCACCATTTTGATTGCAGTTGTCTTCAATATAGCTTGTTTCCTAC-3'
Protein context (NP_000268.1, residues 29-49): CNQNGAISLI[Phe39Leu]SLKEEVGALA